The following is an entry in ClinVar:

NM_173628.4(DNAH17):c.2469C>T (p.Ala823=)

Gene: DNAH17 (dynein axonemal heavy chain 17; minus strand). Cytogenetic location: 17q25.3.
Variant type: single nucleotide variant.
Coding change: c.2469C>T on transcript NM_173628.4 (MANE Select); coding-DNA position 2469, C replaced by T.
Protein change: p.Ala823=; no amino-acid change (alanine 823 retained).
Molecular consequence: synonymous variant.
Genome position (GRCh38, 1-based): chr17:78,543,920, G>A on the plus strand (C>T on the coding strand, the complement: DNAH17 is on the minus strand). VCF-style: chr17-78543920-G-A. GRCh37 (hg19) VCF-style: chr17-76540002-G-A.
Identifiers: ClinVar variation 3053223 (VCV003053223.2), dbSNP rs764268727, ClinGen allele CA8804680.

ClinVar aggregate classification (germline): Likely benign (0 of 4 stars; one submission).

Conditions:
DNAH17-related disorder. Also called: DNAH17-related condition.

Allele frequency attached by ClinVar (database versions not stated): gnomAD exomes 0.00004; gnomAD 0.00005; TOPMed 0.00011; ExAC 0.00019.

Submission:

PreventionGenetics, part of Exact Sciences
Classification: Likely benign for DNAH17-related condition. Last evaluated: 2019-08-26. Review status: no assertion criteria provided. Collection method: clinical testing. Allele origin: germline.
Comment: This variant is classified as likely benign based on ACMG/AMP sequence variant interpretation guidelines (Richards et al. 2015 PMID: 25741868, with internal and published modifications).